The following is an entry in ClinVar:

ClinVar aggregate classification (germline): Uncertain significance. Review status: criteria provided, multiple submitters, no conflicts (2 of 4 stars). 2 submissions from 2 submitters: Uncertain significance (2). Last evaluated 2024-01-24.

Conditions:
Myasthenic syndrome, congenital, 22 (CMS22). Also called: PREPL DEFICIENCY. Identifiers: MedGen C4479088, MONDO:0044299, OMIM 616224.
Inborn genetic diseases. Identifiers: MedGen C0950123, MeSH D030342.

Allele frequency attached by ClinVar (database versions not stated): gnomAD exomes below 0.00001 and 0.00001; ExAC 0.00001; gnomAD 0.00001; TOPMed 0.00001.
gnomAD v4.1: 4 of 1,613,202 alleles (0.00025%); highest among the groups gnomAD compares: African/African-American, 0.004%; no homozygotes.

Submissions (2):

Ambry Genetics
Classification: Uncertain significance for Inborn genetic diseases. Last evaluated: 2024-01-24. Review status: criteria provided, single submitter. Criteria: Ambry Variant Classification Scheme 2023. Collection method: clinical testing. Allele origin: germline.

Labcorp Genetics (formerly Invitae), Labcorp
Classification: Uncertain significance for Myasthenic syndrome, congenital, 22. Last evaluated: 2022-09-06. Review status: criteria provided, single submitter. Criteria: Invitae Variant Classification Sherloc (09022015). Collection method: clinical testing. Allele origin: germline.
Comment: In summary, the available evidence is currently insufficient to determine the role of this variant in disease. Therefore, it has been classified as a Variant of Uncertain Significance. Algorithms developed to predict the effect of missense changes on protein structure and function output the following: SIFT: "Tolerated"; PolyPhen-2: "Benign"; Align-GVGD: "Class C0". The glycine amino acid residue is found in multiple mammalian species, which suggests that this missense change does not adversely affect protein function. ClinVar contains an entry for this variant (Variation ID: 962592). This variant has not been reported in the literature in individuals affected with PREPL-related conditions. This variant is present in population databases (rs767151252, gnomAD 0.01%). This sequence change replaces serine, which is neutral and polar, with glycine, which is neutral and non-polar, at codon 15 of the PREPL protein (p.Ser15Gly).

NM_001171613.2(PREPL):c.-49+1707A>G

Gene: PREPL (prolyl endopeptidase like; minus strand). Cytogenetic location: 2p21.
Variant type: single nucleotide variant.
Coding change: c.-49+1707A>G on transcript NM_001171613.2 (MANE Select); 1707 bases into the intron after 49 bases upstream of the start codon, A replaced by G.
Molecular consequence: intron variant. On other transcripts: missense variant (7).
Genome position (GRCh38, 1-based): chr2:44,359,673, T>C on the plus strand (A>G on the coding strand, the complement: PREPL is on the minus strand). VCF-style: chr2-44359673-T-C. GRCh37 (hg19) VCF-style: chr2-44586812-T-C.
Other names: c.43A>G, p.Ser15Gly (NM_001171603.1, NM_001171606.2, NM_001374275.1 and 4 more transcripts); c.-49+1851A>G (NM_001171617.1); c.-49+1744A>G (NM_001374277.1); short protein forms S15G.
Identifiers: ClinVar variation 962592 (VCV000962592.9), dbSNP rs767151252, ClinGen allele CA1641768.
Genomic context (GRCh38, chr2:44,359,673, plus strand): 5'-CAGCGAAGTTATAGTGATTCAAATGCTGTTTCTGCATGCATTTTCCAAGGTGAGGAATAC[T>C]ATACTTCAAAGCTTGGAGAAATAATTTGGTCTTCTGCTGCATGATATCAAAGTCCCTGGT-3'